The following is an entry in ClinVar:

NM_006204.4(PDE6C):c.326A>T (p.Glu109Val)

Gene: PDE6C (phosphodiesterase 6C; plus strand). Cytogenetic location: 10q23.33.
Variant type: single nucleotide variant.
Coding change: c.326A>T on transcript NM_006204.4 (MANE Select); coding-DNA position 326, A replaced by T.
Protein change: p.Glu109Val; replaces glutamic acid 109 with valine.
Molecular consequence: missense variant.
Genome position (GRCh38, 1-based): chr10:93,613,051, A>T. VCF-style: chr10-93613051-A-T. GRCh37 (hg19) VCF-style: chr10-95372808-A-T.
Other names: short protein forms E109V.
Identifiers: ClinVar variation 1917903 (VCV001917903.5), dbSNP rs1416241436, ClinGen allele CA377622527.

ClinVar aggregate classification (germline): Uncertain significance (1 of 4 stars; one submission).

Allele frequency attached by ClinVar (database versions not stated): TOPMed below 0.00001; gnomAD 0.00001; gnomAD exomes 0.00001.
gnomAD v4.1: 8 of 1,614,046 alleles (0.0005%); highest among the groups gnomAD compares: Non-Finnish European, 0.00068%; no homozygotes.

Submission:

Labcorp Genetics (formerly Invitae), Labcorp
Classification: Uncertain significance. Last evaluated: 2022-04-22. Review status: criteria provided, single submitter. Criteria: Invitae Variant Classification Sherloc (09022015). Collection method: clinical testing. Allele origin: germline.
Comment: This sequence change replaces glutamic acid, which is acidic and polar, with valine, which is neutral and non-polar, at codon 109 of the PDE6C protein (p.Glu109Val). This variant is not present in population databases (gnomAD no frequency). This missense change has been observed in individual(s) with achromatopsia (PMID: 31826238). Algorithms developed to predict the effect of missense changes on protein structure and function are either unavailable or do not agree on the potential impact of this missense change (SIFT: "Deleterious"; PolyPhen-2: "Probably Damaging"; Align-GVGD: "Class C0"). In summary, the available evidence is currently insufficient to determine the role of this variant in disease. Therefore, it has been classified as a Variant of Uncertain Significance.

Literature cited by the submitters: PubMed 31826238.